The following is an entry in ClinVar:

ClinVar aggregate classification (germline): Uncertain significance (1 of 4 stars; one submission).

Conditions:
Methylcobalamin deficiency type cblE (HMAE). Also called: HOMOCYSTINURIA-MEGALOBLASTIC ANEMIA, cblE COMPLEMENTATION TYPE; VITAMIN B12-RESPONSIVE HOMOCYSTINURIA, cblE TYPE; HOMOCYSTINURIA-MEGALOBLASTIC ANEMIA, cblE TYPE. Identifiers: Orphanet 2169, Orphanet 622, MedGen C1856057, MONDO:0009354, OMIM 236270.

Submission:

Labcorp Genetics (formerly Invitae), Labcorp
Classification: Uncertain significance for Methylcobalamin deficiency type cblE. Last evaluated: 2022-03-01. Review status: criteria provided, single submitter. Criteria: Invitae Variant Classification Sherloc (09022015). Collection method: clinical testing. Allele origin: germline.
Comment: This sequence change replaces phenylalanine, which is neutral and non-polar, with valine, which is neutral and non-polar, at codon 85 of the MTRR protein (p.Phe85Val). This variant is not present in population databases (gnomAD no frequency). This variant has not been reported in the literature in individuals affected with MTRR-related conditions. Algorithms developed to predict the effect of missense changes on protein structure and function (SIFT, PolyPhen-2, Align-GVGD) all suggest that this variant is likely to be tolerated. In summary, the available evidence is currently insufficient to determine the role of this variant in disease. Therefore, it has been classified as a Variant of Uncertain Significance.

NM_002454.3(MTRR):c.253T>G (p.Phe85Val)

Gene: MTRR (5-methyltetrahydrofolate-homocysteine methyltransferase reductase; plus strand). Cytogenetic location: 5p15.31.
Variant type: single nucleotide variant.
Coding change: c.253T>G on transcript NM_002454.3 (MANE Select); coding-DNA position 253, T replaced by G.
Protein change: p.Phe85Val; replaces phenylalanine 85 with valine.
Molecular consequence: missense variant. On other transcripts: non-coding transcript variant (8).
Genome position (GRCh38, 1-based): chr5:7,873,496, T>G. VCF-style: chr5-7873496-T-G. GRCh37 (hg19) VCF-style: chr5-7873609-T-G.
Other names: c.253T>G, p.Phe85Val (NM_001364440.2, NM_001364441.2, NM_001364442.2 and 1 more transcripts); short protein forms F85V.
Identifiers: ClinVar variation 2148090 (VCV002148090.1), dbSNP rs2478704791, ClinGen allele CA359156313.